The following is an entry in ClinVar:

ClinVar aggregate classification (germline): Uncertain significance. Review status: criteria provided, single submitter (1 of 4 stars). 2 submissions from 2 submitters: Uncertain significance (1). 1 of the submissions does not count toward it. Last evaluated 2022-07-26.

Conditions:
Cardiomyopathy (CMYO). Also called: Cardiomyopathies. Identifiers: Orphanet 167848, MedGen C0878544, MONDO:0004994, HP:0001638. Inheritance: Various modes of inheritance.
Dystrophin deficiency.
Duchenne muscular dystrophy (DMD). Also called: MUSCULAR DYSTROPHY, PSEUDOHYPERTROPHIC PROGRESSIVE, DUCHENNE TYPE; Duchenne Muscular Dystrophy (DMD). Identifiers: Orphanet 98896, MedGen C0013264, MONDO:0010679, OMIM 310200.
Becker muscular dystrophy (BMD). Also called: Becker Muscular Dystrophy (BMD); MUSCULAR DYSTROPHY, PSEUDOHYPERTROPHIC PROGRESSIVE, BECKER TYPE. Identifiers: Orphanet 98895, MedGen C0917713, MONDO:0010311, OMIM 300376.

Submissions (2):

Labcorp Genetics (formerly Invitae), Labcorp
Classification: Uncertain significance for Duchenne muscular dystrophy. Last evaluated: 2022-07-26. Review status: criteria provided, single submitter. Criteria: Invitae Variant Classification Sherloc (09022015). Collection method: clinical testing. Allele origin: germline.
Comment: In summary, the available evidence is currently insufficient to determine the role of this variant in disease. Therefore, it has been classified as a Variant of Uncertain Significance. Algorithms developed to predict the effect of missense changes on protein structure and function are either unavailable or do not agree on the potential impact of this missense change (SIFT: "Tolerated"; PolyPhen-2: "Possibly Damaging"; Align-GVGD: "Class C0"). ClinVar contains an entry for this variant (Variation ID: 1038208). This variant has not been reported in the literature in individuals affected with DMD-related conditions. This variant is not present in population databases (gnomAD no frequency). This sequence change replaces glutamic acid, which is acidic and polar, with lysine, which is basic and polar, at codon 2222 of the DMD protein (p.Glu2222Lys).

Natera, Inc.
Classification: Uncertain significance for Becker muscular dystrophy; Cardiomyopathy; Duchenne muscular dystrophy; Dystrophin deficiency. Last evaluated: 2020-10-27. Review status: no assertion criteria provided. Collection method: clinical testing. Allele origin: germline. Not counted in ClinVar's aggregate classification.

NM_004006.3(DMD):c.6664G>A (p.Glu2222Lys)

Gene: DMD (dystrophin; minus strand). Cytogenetic location: Xp21.1.
Variant type: single nucleotide variant.
Coding change: c.6664G>A on transcript NM_004006.3 (MANE Select); coding-DNA position 6664, G replaced by A.
Protein change: p.Glu2222Lys; replaces glutamic acid 2222 with lysine.
Molecular consequence: missense variant. On other transcripts: 5 prime UTR variant (5).
Genome position (GRCh38, 1-based): chrX:31,932,178, C>T on the plus strand (G>A on the coding strand, the complement: DMD is on the minus strand). VCF-style: chrX-31932178-C-T. GRCh37 (hg19) VCF-style: chrX-31950295-C-T.
Other names: c.6640G>A, p.Glu2214Lys (NM_000109.4); c.6652G>A, p.Glu2218Lys (NM_004009.3); c.6295G>A, p.Glu2099Lys (NM_004010.3); c.2641G>A, p.Glu881Lys (NM_004011.4); c.2632G>A, p.Glu878Lys (NM_004012.4); c.-717G>A (NM_004013.3, NM_004020.4, NM_004021.3 and 2 more transcripts); short protein forms E2218K, E878K, E2099K, E2214K, E2222K, E881K.
Identifiers: ClinVar variation 1038208 (VCV001038208.10), dbSNP rs2094863563, ClinGen allele CA412658316.